The following is an entry in ClinVar:

NM_000059.4(BRCA2):c.6302A>G (p.Asn2101Ser)

Gene: BRCA2 (BRCA2 DNA repair associated; plus strand). Cytogenetic location: 13q13.1.
Variant type: single nucleotide variant.
Coding change: c.6302A>G on transcript NM_000059.4 (MANE Select); coding-DNA position 6302, A replaced by G.
Protein change: p.Asn2101Ser; replaces asparagine 2101 with serine.
Molecular consequence: missense variant.
Genome position (GRCh38, 1-based): chr13:32,340,657, A>G. VCF-style: chr13-32340657-A-G. GRCh37 (hg19) VCF-style: chr13-32914794-A-G.
Other names: short protein forms N2101S.
Identifiers: ClinVar variation 568383 (VCV000568383.14), dbSNP rs1566234294, ClinGen allele CA387789031.
Genomic context (GRCh38, chr13:32,340,657, plus strand): 5'-AGGAATTTGATTTAATCAGAACTGAGCATAGTCTTCACTATTCACCTACGTCTAGACAAA[A>G]TGTATCAAAAATACTTCCTCGTGTTGATAAGAGAAACCCAGAGCACTGTGTAAACTCAGA-3'
Protein context (NP_000050.3, residues 2091-2111): SLHYSPTSRQ[Asn2101Ser]VSKILPRVDK

ClinVar aggregate classification (germline): Conflicting classifications of pathogenicity. Review status: criteria provided, conflicting classifications (1 of 4 stars). 3 submissions from 3 submitters: Uncertain significance (2); Likely benign (1). Last evaluated 2023-12-05.

Conditions:
Hereditary cancer-predisposing syndrome. Also called: Neoplastic Syndromes, Hereditary; Tumor predisposition; Hereditary neoplastic syndrome; Hereditary Cancer Syndrome. Identifiers: Orphanet 140162, MedGen C0027672, MeSH D009386, MONDO:0015356.
Hereditary breast ovarian cancer syndrome. Also called: Hereditary breast and ovarian cancer syndrome (HBOC); Hereditary breast and ovarian cancer; Hereditary breast and/or ovarian cancer syndrome; Hereditary breast and ovarian cancer syndrome; Breast and ovarian cancer; BRCA1- and BRCA2-Associated Hereditary Breast and Ovarian Cancer. Identifiers: Orphanet 145, MedGen C0677776, MeSH D061325, MONDO:0003582. Disease mechanism: loss of function.

Submissions (3):

Labcorp Genetics (formerly Invitae), Labcorp
Classification: Uncertain significance for Hereditary breast ovarian cancer syndrome. Last evaluated: 2023-12-05. Review status: criteria provided, single submitter. Criteria: Invitae Variant Classification Sherloc (09022015). Collection method: clinical testing. Allele origin: germline.
Comment: This sequence change replaces asparagine, which is neutral and polar, with serine, which is neutral and polar, at codon 2101 of the BRCA2 protein (p.Asn2101Ser). This variant is not present in population databases (gnomAD no frequency). This variant has not been reported in the literature in individuals affected with BRCA2-related conditions. ClinVar contains an entry for this variant (Variation ID: 568383). Advanced modeling of protein sequence and biophysical properties (such as structural, functional, and spatial information, amino acid conservation, physicochemical variation, residue mobility, and thermodynamic stability) performed at Invitae indicates that this missense variant is not expected to disrupt BRCA2 protein function with a negative predictive value of 95%. In summary, the available evidence is currently insufficient to determine the role of this variant in disease. Therefore, it has been classified as a Variant of Uncertain Significance.

University of Washington Department of Laboratory Medicine, University of Washington
Classification: Likely benign for Hereditary cancer-predisposing syndrome. Last evaluated: 2023-03-23. Review status: criteria provided, single submitter. Criteria: Dines et al. (Genet Med. 2020). Collection method: curation. Allele origin: germline.
Comment: Missense variant in a coldspot region where missense variants are very unlikely to be pathogenic (PMID:31911673).

BRCA2 exon 11 coldspot. Reclassification based on statistical prior probability.

Ambry Genetics
Classification: Uncertain significance for Hereditary cancer-predisposing syndrome. Last evaluated: 2019-10-23. Review status: criteria provided, single submitter. Criteria: Ambry Variant Classification Scheme 2023. Collection method: clinical testing. Allele origin: germline.
Comment: The p.N2101S variant (also known as c.6302A>G), located in coding exon 10 of the BRCA2 gene, results from an A to G substitution at nucleotide position 6302. The asparagine at codon 2101 is replaced by serine, an amino acid with highly similar properties. This amino acid position is poorly conserved in available vertebrate species. In addition, this alteration is predicted to be tolerated by in silico analysis. Since supporting evidence is limited at this time, the clinical significance of this alteration remains unclear.